The following is an entry in ClinVar:

NM_003835.4(RGS9):c.1837C>A (p.Pro613Thr)

Gene: RGS9 (regulator of G protein signaling 9; plus strand). Cytogenetic location: 17q24.1.
Variant type: single nucleotide variant.
Coding change: c.1837C>A on transcript NM_003835.4 (MANE Select); coding-DNA position 1837, C replaced by A.
Protein change: p.Pro613Thr; replaces proline 613 with threonine.
Molecular consequence: missense variant.
Genome position (GRCh38, 1-based): chr17:65,225,431, C>A. VCF-style: chr17-65225431-C-A. GRCh37 (hg19) VCF-style: chr17-63221549-C-A.
Other names: c.1828C>A, p.Pro610Thr (NM_001081955.3); short protein forms P610T, P613T.
Identifiers: ClinVar variation 1966119 (VCV001966119.5), dbSNP rs2509453078, ClinGen allele CA400674071.

ClinVar aggregate classification (germline): Uncertain significance (1 of 4 stars; one submission).

Submission:

Labcorp Genetics (formerly Invitae), Labcorp
Classification: Uncertain significance. Last evaluated: 2024-01-19. Review status: criteria provided, single submitter. Criteria: Invitae Variant Classification Sherloc (09022015). Collection method: clinical testing. Allele origin: germline.
Comment: This sequence change replaces proline, which is neutral and non-polar, with threonine, which is neutral and polar, at codon 613 of the RGS9 protein (p.Pro613Thr). This variant is not present in population databases (gnomAD no frequency). This variant has not been reported in the literature in individuals affected with RGS9-related conditions. ClinVar contains an entry for this variant (Variation ID: 1966119). An algorithm developed to predict the effect of missense changes on protein structure and function (PolyPhen-2) suggests that this variant is likely to be disruptive. In summary, the available evidence is currently insufficient to determine the role of this variant in disease. Therefore, it has been classified as a Variant of Uncertain Significance.